The following is an entry in ClinVar:

ClinVar aggregate classification (germline): Likely benign (0 of 4 stars; one submission).

Conditions:
UBIAD1-related disorder. Also called: UBIAD1-related condition.

Allele frequency attached by ClinVar (database versions not stated): gnomAD 0.00004; ExAC 0.00012; gnomAD exomes 0.00004.
gnomAD v4.1: 29 of 717,480 alleles (0.004%); highest among the groups gnomAD compares: South Asian, 0.04%; 1 homozygote.

Submission:

PreventionGenetics, part of Exact Sciences
Classification: Likely benign for UBIAD1-related condition. Last evaluated: 2021-11-24. Review status: no assertion criteria provided. Collection method: clinical testing. Allele origin: germline.
Comment: This variant is classified as likely benign based on ACMG/AMP sequence variant interpretation guidelines (Richards et al. 2015 PMID: 25741868, with internal and published modifications).

NC_000001.11:g.11294897G>A

Gene: UBIAD1 (UbiA prenyltransferase domain containing 1; plus strand). Cytogenetic location: 1p36.22.
Variant type: single nucleotide variant.
Molecular consequence: 3 prime UTR variant (on NM_001330349.2).
Genome position: GRCh38 VCF-style: chr1-11294897-G-A. GRCh37 (hg19) VCF-style: chr1-11354954-G-A.
Other names: c.*7G>A (NM_001330349.2); c.*14G>A (NM_001330350.2).
Identifiers: ClinVar variation 3030278 (VCV003030278.2), dbSNP rs772156947, ClinGen allele CA591296.